The following is an entry in ClinVar:

NM_006214.4(PHYH):c.318T>A (p.Ile106=)

Gene: PHYH (phytanoyl-CoA 2-hydroxylase; minus strand). Cytogenetic location: 10p13.
Variant type: single nucleotide variant.
Coding change: c.318T>A on transcript NM_006214.4 (MANE Select); coding-DNA position 318, T replaced by A.
Protein change: p.Ile106=; no amino-acid change (isoleucine 106 retained).
Molecular consequence: synonymous variant.
Genome position (GRCh38, 1-based): chr10:13,294,524, A>T on the plus strand (T>A on the coding strand, the complement: PHYH is on the minus strand). VCF-style: chr10-13294524-A-T. GRCh37 (hg19) VCF-style: chr10-13336524-A-T.
Other names: p.Ile106=; c.18T>A, p.Ile6= (NM_001037537.2, NM_001323080.2, NM_001323084.2); c.318T>A, p.Ile106= (NM_001323082.2, NM_001323083.2).
Identifiers: ClinVar variation 1621402 (VCV001621402.9), dbSNP rs767524297, ClinGen allele CA5412417.

ClinVar aggregate classification (germline): Likely benign. Review status: criteria provided, multiple submitters, no conflicts (2 of 4 stars). 2 submissions from 2 submitters: Likely benign (2). Last evaluated 2025-11-27.

Allele frequency attached by ClinVar (database versions not stated): ExAC 0.00001; gnomAD 0.00001; gnomAD exomes 0.00001 and below 0.00001; TOPMed below 0.00001.
gnomAD v4.1: 3 of 1,613,784 alleles (0.00019%); highest among the groups gnomAD compares: Admixed American, 0.005%; no homozygotes.

Submissions (2):

Mayo Clinic Laboratories, Mayo Clinic
Classification: Likely benign. Last evaluated: 2025-11-27. Review status: criteria provided, single submitter. Criteria: ACMG Guidelines, 2015. Collection method: clinical testing. Allele origin: germline. Observed: 1 variant allele.
Comment: BP4, BP7

Labcorp Genetics (formerly Invitae), Labcorp
Classification: Likely benign. Last evaluated: 2024-04-01. Review status: criteria provided, single submitter. Criteria: Invitae Variant Classification Sherloc (09022015). Collection method: clinical testing. Allele origin: germline.